The following is an entry in ClinVar:

ClinVar aggregate classification (germline): Uncertain significance (1 of 4 stars; one submission).

Conditions:
Ataxia-telangiectasia syndrome (AT). Also called: Cerebello-oculocutaneous telangiectasia; Immunodeficiency with ataxia telangiectasia; Ataxia-telangiectasia, complementation group E; LOUIS-BAR SYNDROME; Ataxia telangiectasia (A-T); AT, COMPLEMENTATION GROUP C. Identifiers: Orphanet 100, MedGen C0004135, MONDO:0008840, OMIM 208900.

Submission:

Labcorp Genetics (formerly Invitae), Labcorp
Classification: Uncertain significance for Ataxia-telangiectasia syndrome. Last evaluated: 2025-05-12. Review status: criteria provided, single submitter. Criteria: Invitae Variant Classification Sherloc (09022015). Collection method: clinical testing. Allele origin: germline.
Comment: This sequence change falls in intron 4 of the ATM gene. It does not directly change the encoded amino acid sequence of the ATM protein. It affects a nucleotide within the consensus splice site. This variant is not present in population databases (gnomAD no frequency). This variant has not been reported in the literature in individuals affected with ATM-related conditions. ClinVar contains an entry for this variant (Variation ID: 2696495). Variants that disrupt the consensus splice site are a relatively common cause of aberrant splicing (PMID: 17576681, 9536098). Algorithms developed to predict the effect of sequence changes on RNA splicing suggest that this variant may disrupt the consensus splice site. In summary, the available evidence is currently insufficient to determine the role of this variant in disease. Therefore, it has been classified as a Variant of Uncertain Significance.

Literature cited by the submitters: PubMed 17576681; PubMed 9536098.

NM_000051.4(ATM):c.331+3A>T

Gene: ATM (ATM serine/threonine kinase; plus strand). Cytogenetic location: 11q22.3.
Variant type: single nucleotide variant.
Coding change: c.331+3A>T on transcript NM_000051.4 (MANE Select); 3 bases into the intron after coding-DNA position 331, A replaced by T.
Molecular consequence: intron variant. On other transcripts: nonsense (2).
Genome position (GRCh38, 1-based): chr11:108,229,326, A>T. VCF-style: chr11-108229326-A-T. GRCh37 (hg19) VCF-style: chr11-108100053-A-T.
Other names: c.334A>T, p.Lys112Ter (NM_001351835.2, NM_001351836.2); c.331+3A>T (NM_001351834.2); short protein forms K112*.
Identifiers: ClinVar variation 2696495 (VCV002696495.3), dbSNP rs2078894221, ClinGen allele CA382521852.
Genomic context (GRCh38, chr11:108,229,326, plus strand): 5'-AAAAAGATGCAGGAAATCAGTAGTTTGGTCAAATACTTCATCAAATGTGCAAACAGAAGT[A>T]AGTGATGTTATAAATTATAAATAAATGGCTTAACAGATTACTGTCGCGTGAGTTTTTTTT-3'